The following is an entry in ClinVar:

NM_001039591.3(USP9X):c.6425C>T (p.Pro2142Leu)

Gene: USP9X (ubiquitin specific peptidase 9 X-linked; plus strand). Cytogenetic location: Xp11.4.
Variant type: single nucleotide variant.
Coding change: c.6425C>T on transcript NM_001039591.3 (MANE Select); coding-DNA position 6425, C replaced by T.
Protein change: p.Pro2142Leu; replaces proline 2142 with leucine.
Molecular consequence: missense variant.
Genome position (GRCh38, 1-based): chrX:41,218,587, C>T. VCF-style: chrX-41218587-C-T. GRCh37 (hg19) VCF-style: chrX-41077840-C-T.
Other names: c.6425C>T, p.Pro2142Leu (NM_001039590.3); c.6440C>T, p.Pro2147Leu (NM_001410748.1, NM_001410749.1, NM_001437534.1); short protein forms P2142L, P2147L.
Identifiers: ClinVar variation 5008799 (VCV005008799.1).

ClinVar aggregate classification (germline): Uncertain significance (1 of 4 stars; one submission).

gnomAD v4.1: 2 of 1,204,955 alleles (0.00017%); highest among the groups gnomAD compares: Non-Finnish European, 0.00022%; no homozygotes.

Submission:

GeneDx
Classification: Uncertain significance. Last evaluated: 2026-03-07. Review status: criteria provided, single submitter. Criteria: GeneDx Variant Classification Process June 2021. Collection method: clinical testing. Allele origin: germline.
Comment: In silico analysis suggests that this missense variant does not alter protein structure/function; Has not been previously published as pathogenic or benign to our knowledge